The following is an entry in ClinVar:

ClinVar aggregate classification (germline): Uncertain significance. Review status: criteria provided, multiple submitters, no conflicts (2 of 4 stars). 2 submissions from 2 submitters: Uncertain significance (2). Last evaluated 2024-10-19.

Conditions:
5-Oxoprolinase deficiency (OPLAHD). Also called: 5-OXOPROLINURIA DUE TO 5-OXOPROLINASE DEFICIENCY. Identifiers: Orphanet 33572, MedGen C0268525, MONDO:0009825, OMIM 260005, HP:0040142.

Allele frequency attached by ClinVar (database versions not stated): TOPMed below 0.00001; gnomAD exomes 0.00005.

Submissions (2):

Ambry Genetics
Classification: Uncertain significance. Last evaluated: 2024-10-19. Review status: criteria provided, single submitter. Criteria: Ambry Variant Classification Scheme 2023. Collection method: clinical testing. Allele origin: germline.

Labcorp Genetics (formerly Invitae), Labcorp
Classification: Uncertain significance for 5-Oxoprolinase deficiency. Last evaluated: 2022-07-26. Review status: criteria provided, single submitter. Criteria: Invitae Variant Classification Sherloc (09022015). Collection method: clinical testing. Allele origin: germline.
Comment: In summary, the available evidence is currently insufficient to determine the role of this variant in disease. Therefore, it has been classified as a Variant of Uncertain Significance. Experimental studies and prediction algorithms are not available or were not evaluated, and the functional significance of this variant is currently unknown. This variant has not been reported in the literature in individuals affected with OPLAH-related conditions. This variant is present in population databases (rs782604025, gnomAD 0.001%). This sequence change replaces glutamic acid, which is acidic and polar, with glycine, which is neutral and non-polar, at codon 556 of the OPLAH protein (p.Glu556Gly).

NM_017570.5(OPLAH):c.1667A>G (p.Glu556Gly)

Gene: OPLAH (5-oxoprolinase, ATP-hydrolysing; minus strand). Cytogenetic location: 8q24.3.
Variant type: single nucleotide variant.
Coding change: c.1667A>G on transcript NM_017570.5 (MANE Select); coding-DNA position 1667, A replaced by G.
Protein change: p.Glu556Gly; replaces glutamic acid 556 with glycine.
Molecular consequence: missense variant.
Genome position (GRCh38, 1-based): chr8:144,056,987, T>C on the plus strand (A>G on the coding strand, the complement: OPLAH is on the minus strand). VCF-style: chr8-144056987-T-C. GRCh37 (hg19) VCF-style: chr8-145111890-T-C.
Other names: c.1667A>G (NM_017570.3); short protein forms E556G.
Identifiers: ClinVar variation 1918780 (VCV001918780.6), dbSNP rs782604025, ClinGen allele CA4931767.
Genomic context (GRCh38, chr8:144,056,987, plus strand): 5'-CAGGGCACCCTGGGAGCCCACCTGGGGAAGCCCTGGGCCTGCAGAGCATCCACACACTGC[T>C]CCTCCAGGCGGCTCAGCCTCTGGTCCAGCTGCACGAAGGTCTCAGGCGCGTAGAGCAGGG-3'
Protein context (NP_060040.1, residues 546-566): QLDQRLSRLE[Glu556Gly]QCVDALQAQG